The following is an entry in ClinVar:

ClinVar aggregate classification (germline): Uncertain significance (1 of 4 stars; one submission).

Submission:

Labcorp Genetics (formerly Invitae), Labcorp
Classification: Uncertain significance. Last evaluated: 2025-04-23. Review status: criteria provided, single submitter. Criteria: Invitae Variant Classification Sherloc (09022015). Collection method: clinical testing. Allele origin: germline.
Comment: This sequence change affects codon 2063 of the CAD mRNA. It is a 'silent' change, meaning that it does not change the encoded amino acid sequence of the CAD protein. This variant is not present in population databases (gnomAD no frequency). This variant has not been reported in the literature in individuals affected with CAD-related conditions. Algorithms developed to predict the effect of sequence changes on RNA splicing suggest that this variant may create or strengthen a splice site. In summary, the available evidence is currently insufficient to determine the role of this variant in disease. Therefore, it has been classified as a Variant of Uncertain Significance.

NM_004341.5(CAD):c.6189C>A (p.Ile2063=)

Gene: CAD (carbamoyl-phosphate synthetase 2, aspartate transcarbamylase, and dihydroorotase; plus strand). Cytogenetic location: 2p23.3.
Variant type: single nucleotide variant.
Coding change: c.6189C>A on transcript NM_004341.5 (MANE Select); coding-DNA position 6189, C replaced by A.
Protein change: p.Ile2063=; no amino-acid change (isoleucine 2063 retained).
Molecular consequence: synonymous variant.
Genome position (GRCh38, 1-based): chr2:27,242,394, C>A. VCF-style: chr2-27242394-C-A. GRCh37 (hg19) VCF-style: chr2-27465262-C-A.
Other names: c.6000C>A, p.Ile2000= (NM_001306079.2).
Identifiers: ClinVar variation 4698320 (VCV004698320.1).